The following is an entry in ClinVar:

NM_006393.3(NEBL):c.2412T>C (p.Pro804=)

Gene: NEBL (nebulette; minus strand). Cytogenetic location: 10p12.31.
Variant type: single nucleotide variant.
Coding change: c.2412T>C on transcript NM_006393.3 (MANE Select); coding-DNA position 2412, T replaced by C.
Protein change: p.Pro804=; no amino-acid change (proline 804 retained).
Molecular consequence: synonymous variant.
Genome position (GRCh38, 1-based): chr10:20,812,875, A>G on the plus strand (T>C on the coding strand, the complement: NEBL is on the minus strand). VCF-style: chr10-20812875-A-G. GRCh37 (hg19) VCF-style: chr10-21101804-A-G.
Other names: c.423T>C, p.Pro141= (NM_001173484.2, NM_001377322.1, NM_213569.2); c.375T>C, p.Pro125= (NM_001377323.1); c.366T>C, p.Pro122= (NM_001377324.1); c.357T>C, p.Pro119= (NM_001377325.1); c.315T>C, p.Pro105= (NM_001377326.1, NM_001377327.1, NM_001377328.1).
Identifiers: ClinVar variation 385095 (VCV000385095.3), dbSNP rs749572741, ClinGen allele CA5432485.
Genomic context (GRCh38, chr10:20,812,875, plus strand): 5'-GACCCCTTTATAGGCAGCATCGCTGACCACCTGGGTGTTCTTCCTCACTCTCTCTGTCAC[A>G]GGATCGTCCACGACGGGAGTAAAGCCTCTCCCCTTTGTTTTTTCAAAATCTTCATGGTAT-3'
Protein context (NP_006384.1, residues 794-814): GRGFTPVVDD[Pro804=]VTERVRKNTQ

ClinVar aggregate classification (germline): Likely benign. Review status: criteria provided, multiple submitters, no conflicts (2 of 4 stars). 3 submissions from 3 submitters: Likely benign (3). Last evaluated 2025-08-29.

Conditions:
Primary dilated cardiomyopathy (DCM). Also called: Dilated Cardiomyopathy. Identifiers: Orphanet 217604, MedGen C0007193, MeSH D002311, MONDO:0005021, HP:0001644. Inheritance: Various modes of inheritance.

Allele frequency attached by ClinVar (database versions not stated): ExAC 0.00002; gnomAD exomes 0.00002.
gnomAD v4.1: 12 of 1,614,032 alleles (0.00074%); highest among the groups gnomAD compares: South Asian, 0.0011%; no homozygotes.

Submissions (3):

Labcorp Genetics (formerly Invitae), Labcorp
Classification: Likely benign for Primary dilated cardiomyopathy. Last evaluated: 2025-08-29. Review status: criteria provided, single submitter. Criteria: Invitae Variant Classification Sherloc (09022015). Collection method: clinical testing. Allele origin: germline.

Ambry Genetics
Classification: Likely benign. Last evaluated: 2025-06-10. Review status: criteria provided, single submitter. Criteria: Ambry Variant Classification Scheme 2023. Collection method: clinical testing. Allele origin: germline.

GeneDx
Classification: Likely benign. Last evaluated: 2016-03-25. Review status: criteria provided, single submitter. Criteria: GeneDx Variant Classification (06012015). Collection method: clinical testing. Allele origin: germline. Affected: yes.
Comment: This variant is considered likely benign or benign based on one or more of the following criteria: it is a conservative change, it occurs at a poorly conserved position in the protein, it is predicted to be benign by multiple in silico algorithms, and/or has population frequency not consistent with disease.